The following is an entry in ClinVar:

ClinVar aggregate classification (germline): Uncertain significance (1 of 4 stars; one submission).

Submission:

GeneDx
Classification: Uncertain significance. Last evaluated: 2023-08-08. Review status: criteria provided, single submitter. Criteria: GeneDx Variant Classification Process June 2021. Collection method: clinical testing. Allele origin: germline. Affected: yes.
Comment: Not observed at significant frequency in large population cohorts (gnomAD); In silico analysis supports that this missense variant has a deleterious effect on protein structure/function; Has not been previously published as pathogenic or benign to our knowledge; Reported using an alternate transcript of the gene

NM_003128.3(SPTBN1):c.148+32321G>T

Gene: SPTBN1 (spectrin beta, non-erythrocytic 1; plus strand). Cytogenetic location: 2p16.2.
Variant type: single nucleotide variant.
Coding change: c.148+32321G>T on transcript NM_003128.3 (MANE Select); 32321 bases into the intron after coding-DNA position 148, G replaced by T.
Molecular consequence: intron variant. On other transcripts: missense variant (1).
Genome position (GRCh38, 1-based): chr2:54,558,887, G>T. VCF-style: chr2-54558887-G-T. GRCh37 (hg19) VCF-style: chr2-54786024-G-T.
Other names: c.109G>T, p.Asp37Tyr (NM_178313.3); short protein forms D37Y.
Identifiers: ClinVar variation 3361898 (VCV003361898.1).
Genomic context (GRCh38, chr2:54,558,887, plus strand): 5'-TACACGGGGCAGGTGCCTTACAACTACAACCAGCTGGAAGGCAGATTCAAGCAGCTGCAA[G>T]GTAAGCCCCCTCCCAAAGGCCGGGCCTGTCCTGGGTGCCAACGGGGGTTCTTGGAGGCTT-3'